The following is an entry in ClinVar:

ClinVar aggregate classification (germline): Benign (1 of 4 stars; one submission).

Allele frequency attached by ClinVar (database versions not stated): gnomAD exomes below 0.00001.

Submission:

GeneDx
Classification: Benign. Last evaluated: 2014-11-18. Review status: criteria provided, single submitter. Criteria: GeneDx Variant Classification (06012015). Collection method: clinical testing. Allele origin: germline. Affected: yes.
Comment: This variant is considered likely benign or benign based on one or more of the following criteria: it is a conservative change, it occurs at a poorly conserved position in the protein, it is predicted to be benign by multiple in silico algorithms, and/or has population frequency not consistent with disease.

NM_016729.3(FOLR1):c.489T>C (p.Thr163=)

Genes: FOLR1 (folate receptor alpha; plus strand), FOLR1-AS1 (FOLR1 antisense RNA 1; minus strand). Cytogenetic location: 11q13.4.
Variant type: single nucleotide variant.
Coding change: c.489T>C on transcript NM_016729.3 (MANE Select); coding-DNA position 489, T replaced by C.
Protein change: p.Thr163=; no amino-acid change (threonine 163 retained).
Molecular consequence: synonymous variant.
Genome position (GRCh38, 1-based): chr11:72,195,743, T>C. VCF-style: chr11-72195743-T-C. GRCh37 (hg19) VCF-style: chr11-71906787-T-C.
Other names: p.T163T:ACT>ACC; c.489T>C, p.Thr163= (NM_000802.3, NM_016724.3, NM_016725.3).
Identifiers: ClinVar variation 205451 (VCV000205451.1), dbSNP rs796052440, ClinGen allele CA314532.
Genomic context (GRCh38, chr11:72,195,743, plus strand): 5'-GGAAGATTGTCGCACCTCCTACACCTGCAAGAGCAACTGGCACAAGGGCTGGAACTGGAC[T>C]TCAGGTGAGGGCTGGGGTGGGCAGGAATGGAGGGATTTGGAAGTGGAGGTGTGTGGGTGT-3'
Protein context (NP_057941.1, residues 153-173): KSNWHKGWNW[Thr163=]SGFNKCAVGA